The following is an entry in ClinVar:

ClinVar aggregate classification (germline): Pathogenic (1 of 4 stars; one submission).

Conditions:
Kabuki syndrome. Also called: NIIKAWA-KUROKI SYNDROME; Kabuki make-up syndrome. Identifiers: Orphanet 2322, MedGen C0796004, MONDO:0016512.

Submission:

Labcorp Genetics (formerly Invitae), Labcorp
Classification: Pathogenic for Kabuki syndrome. Last evaluated: 2025-12-22. Review status: criteria provided, single submitter. Criteria: Invitae Variant Classification Sherloc (09022015). Collection method: clinical testing. Allele origin: germline.
Comment: This sequence change creates a premature translational stop signal (p.Gln3959*) in the KMT2D gene. It is expected to result in an absent or disrupted protein product. Loss-of-function variants in KMT2D are known to be pathogenic (PMID: 22126750). This variant is not present in population databases (gnomAD no frequency). This variant has not been reported in the literature in individuals affected with KMT2D-related conditions. For these reasons, this variant has been classified as Pathogenic.

Literature cited by the submitters: PubMed 22126750.

NM_003482.4(KMT2D):c.11875C>T (p.Gln3959Ter)

Gene: KMT2D (lysine methyltransferase 2D; minus strand). Cytogenetic location: 12q13.12.
Variant type: single nucleotide variant.
Coding change: c.11875C>T on transcript NM_003482.4 (MANE Select); coding-DNA position 11875, C replaced by T.
Protein change: p.Gln3959Ter; replaces glutamine 3959 with a stop codon.
Molecular consequence: nonsense.
Genome position (GRCh38, 1-based): chr12:49,032,830, G>A on the plus strand (C>T on the coding strand, the complement: KMT2D is on the minus strand). VCF-style: chr12-49032830-G-A. GRCh37 (hg19) VCF-style: chr12-49426613-G-A.
Other names: short protein forms Q3959*.
Identifiers: ClinVar variation 4733860 (VCV004733860.1).